The following is an entry in ClinVar:

NM_177550.5(SLC13A5):c.716+15G>A

Gene: SLC13A5 (solute carrier family 13 member 5; minus strand). Cytogenetic location: 17p13.1.
Variant type: single nucleotide variant.
Coding change: c.716+15G>A on transcript NM_177550.5 (MANE Select); 15 bases into the intron after coding-DNA position 716, G replaced by A.
Molecular consequence: intron variant.
Genome position (GRCh38, 1-based): chr17:6,702,955, C>T on the plus strand (G>A on the coding strand, the complement: SLC13A5 is on the minus strand). VCF-style: chr17-6702955-C-T. GRCh37 (hg19) VCF-style: chr17-6606274-C-T.
Other names: c.587+15G>A (NM_001284510.2); c.665+15G>A (NM_001284509.2); c.716+15G>A (NM_001143838.3).
Identifiers: ClinVar variation 385275 (VCV000385275.9), dbSNP rs377090828, ClinGen allele CA8331631.

ClinVar aggregate classification (germline): Likely benign. Review status: criteria provided, multiple submitters, no conflicts (2 of 4 stars). 2 submissions from 2 submitters: Likely benign (2). Last evaluated 2025-12-26.

Conditions:
Developmental and epileptic encephalopathy, 25 (DEE25). Also called: Epileptic encephalopathy, early infantile, 25; Developmental and epileptic encephalopathy 25, with amelogenesis imperfecta; Epileptic encephalopathy, early infantile, 25, with amelogenesis imperfecta. Identifiers: Orphanet 442835, MedGen C4014621, MONDO:0014392, OMIM 615905.

Allele frequency attached by ClinVar (database versions not stated): gnomAD 0.00046 and 0.00049; ESP Exome Variant Server 0.00046; 1000 Genomes Project 0.00060; TOPMed 0.00060.

Submissions (2):

Labcorp Genetics (formerly Invitae), Labcorp
Classification: Likely benign for Developmental and epileptic encephalopathy, 25. Last evaluated: 2025-12-26. Review status: criteria provided, single submitter. Criteria: Invitae Variant Classification Sherloc (09022015). Collection method: clinical testing. Allele origin: germline.

GeneDx
Classification: Likely benign. Last evaluated: 2016-04-11. Review status: criteria provided, single submitter. Criteria: GeneDx Variant Classification (06012015). Collection method: clinical testing. Allele origin: germline. Affected: yes.
Comment: This variant is considered likely benign or benign based on one or more of the following criteria: it is a conservative change, it occurs at a poorly conserved position in the protein, it is predicted to be benign by multiple in silico algorithms, and/or has population frequency not consistent with disease.